The following is an entry in ClinVar:

NM_000038.6(APC):c.2081del (p.Asp694fs)

Gene: APC (APC regulator of Wnt signaling pathway; plus strand). Cytogenetic location: 5q22.2.
Variant type: Deletion.
Coding change: c.2081del on transcript NM_000038.6 (MANE Select); coding-DNA position 2081, one base deleted (A; older notation c.2081delA).
Protein change: p.Asp694fs; shifts the reading frame from aspartic acid 694.
Molecular consequence: frameshift variant. On other transcripts: non-coding transcript variant (2).
Genome position (GRCh38, 1-based): chr5:112,837,675, A deleted. VCF-style (leftmost placement, unchanged base first): chr5-112837674-GA-G. GRCh37 (hg19) VCF-style: chr5-112173371-GA-G.
Other names: c.1703del, p.Asp568fs (NM_001354904.2); c.1601del, p.Asp534fs (NM_001354905.2); c.2081del, p.Asp694fs (NM_001354895.2, NM_001127510.3, NM_001407450.1); c.2135del, p.Asp712fs (NM_001354896.2, NM_001407447.1, NM_001407448.1 and 1 more transcripts); c.2111del, p.Asp704fs (NM_001354897.2); c.2006del, p.Asp669fs (NM_001354898.2); c.1997del, p.Asp666fs (NM_001354899.2); c.1958del, p.Asp653fs (NM_001354900.2); and 11 more; short protein forms D310fs, D411fs, D534fs, D565fs, D568fs, D593fs, D603fs, D611fs.
Identifiers: ClinVar variation 3061992 (VCV003061992.1), dbSNP rs2533395504, ClinGen allele CA2740090873.

ClinVar aggregate classification (germline): Uncertain significance (1 of 4 stars; one submission).

Conditions:
Familial adenomatous polyposis 1 (FAP1). Also called: POLYPOSIS, ADENOMATOUS INTESTINAL; FAMILIAL ADENOMATOUS POLYPOSIS 1, ATTENUATED. Identifiers: MedGen C2713442, MONDO:0021056, OMIM 175100. Disease mechanism: loss of function.

Submission:

Neuberg Centre For Genomic Medicine, NCGM
Classification: Uncertain significance for Familial adenomatous polyposis 1. Review status: criteria provided, single submitter. Criteria: ACMG Guidelines, 2015. Collection method: clinical testing. Allele origin: germline. Inheritance: Autosomal dominant inheritance. Affected: yes.
Comment: The frameshift c.2081del(p.Asp694AlafsTer24) variant in APC gene has not been reported previously as a pathogenic variant nor as a benign variant, to our knowledge. This variant is novel (not in any individuals) in gnomAD Exomes and 1000 Genomes. This variant causes a frameshift starting with codon Aspartic Acid 694, changes this amino acid to Alanine residue, and creates a premature Stop codon at position 24 of the new reading frame, denoted p.Asp694AlafsTer24. This variant is predicted to cause loss of normal protein function through protein truncation. Loss of function variants have been previously reported to be disease causing. However, since this variant is present in the last exon, functional studies will be required to prove protein truncation. For these reasons, this variant has been classified as Uncertain Significance.